The following is an entry in ClinVar:

NM_016343.4(CENPF):c.9158G>A (p.Arg3053Gln)

Gene: CENPF (centromere protein F; plus strand). Cytogenetic location: 1q41.
Variant type: single nucleotide variant.
Coding change: c.9158G>A on transcript NM_016343.4 (MANE Select); coding-DNA position 9158, G replaced by A.
Protein change: p.Arg3053Gln; replaces arginine 3053 with glutamine.
Molecular consequence: missense variant.
Genome position (GRCh38, 1-based): chr1:214,663,607, G>A. VCF-style: chr1-214663607-G-A. GRCh37 (hg19) VCF-style: chr1-214836950-G-A.
Other names: short protein forms R3053Q.
Identifiers: ClinVar variation 929051 (VCV000929051.6), dbSNP rs143976001, ClinGen allele CA1391593.

ClinVar aggregate classification (germline): Uncertain significance. Review status: criteria provided, multiple submitters, no conflicts (2 of 4 stars). 3 submissions from 3 submitters: Uncertain significance (3). Last evaluated 2022-06-08.

Allele frequency attached by ClinVar (database versions not stated): ExAC 0.00017; 1000 Genomes Project 0.00040; 1000 Genomes Project 30x 0.00047; gnomAD 0.00058 and 0.00065; TOPMed 0.00064; ESP Exome Variant Server 0.00077.
gnomAD v4.1: 136 of 1,614,058 alleles (0.0084%); highest among the groups gnomAD compares: African/African-American, 0.16%; no homozygotes.

Submissions (3):

GeneDx
Classification: Uncertain significance. Last evaluated: 2022-06-08. Review status: criteria provided, single submitter. Criteria: GeneDx Variant Classification Process June 2021. Collection method: clinical testing. Allele origin: germline. Affected: yes.
Comment: In silico analysis supports that this missense variant does not alter protein structure/function; Has not been previously published as pathogenic or benign to our knowledge

Women's Health and Genetics/Laboratory Corporation of America, LabCorp
Classification: Uncertain significance. Last evaluated: 2019-12-12. Review status: criteria provided, single submitter. Criteria: LabCorp Variant Classification Summary - May 2015. Collection method: clinical testing. Allele origin: germline.
Comment: Variant summary: CENPF c.9158G>A (p.Arg3053Gln) results in a conservative amino acid change in the encoded protein sequence. Three of five in-silico tools predict a benign effect of the variant on protein function. The variant allele was found at a frequency of 0.00014 in 251320 control chromosomes (gnomAD). To our knowledge, no occurrence of c.9158G>A in individuals affected with Stromme syndrome and no experimental evidence demonstrating its impact on protein function have been reported. No clinical diagnostic laboratories have submitted clinical-significance assessments for this variant to ClinVar after 2014. Based on the evidence outlined above, the variant was classified as uncertain significance.

Genetic Services Laboratory, University of Chicago
Classification: Uncertain significance. Last evaluated: 2019-02-26. Review status: criteria provided, single submitter. Criteria: ACMG Guidelines, 2015. Collection method: clinical testing. Allele origin: germline. Affected: no.